The following is an entry in ClinVar:

NM_007294.4(BRCA1):c.4358-385T>G

Gene: BRCA1 (BRCA1 DNA repair associated; minus strand). Cytogenetic location: 17q21.31.
Variant type: single nucleotide variant.
Coding change: c.4358-385T>G on transcript NM_007294.4 (MANE Select); 385 bases into the intron before coding-DNA position 4358, T replaced by G.
Molecular consequence: intron variant.
Genome position (GRCh38, 1-based): chr17:43,076,999, A>C on the plus strand (T>G on the coding strand, the complement: BRCA1 is on the minus strand). VCF-style: chr17-43076999-A-C. GRCh37 (hg19) VCF-style: chr17-41229016-A-C.
Other names: c.4235-385T>G (NM_001407668.1, NM_001407665.1, NM_001407938.1 and 6 more transcripts); c.4358-388T>G (NM_001407622.1, NM_001407618.1, NM_001407617.1 and 7 more transcripts); c.4358-385T>G (NM_001407602.1, NM_001407603.1, NM_001407596.1 and 8 more transcripts); c.4424-388T>G (NM_001407585.1, NM_001407583.1, NM_007300.4); c.4091-388T>G (NM_001407936.1, NM_001407935.1); c.4211-385T>G (NM_001407849.1, NM_001407853.1, NM_001407848.1 and 1 more transcripts); c.4214-388T>G (NM_001407845.1, NM_001407852.1, NM_001407839.1 and 8 more transcripts); c.4214-385T>G (NM_001407744.1, NM_001407750.1, NM_001407745.1 and 11 more transcripts); and 98 more.
Identifiers: ClinVar variation 3992583 (VCV003992583.1).

ClinVar aggregate classification (germline): Uncertain significance (1 of 4 stars; one submission).

Conditions:
Hereditary cancer-predisposing syndrome. Also called: Tumor predisposition; Hereditary neoplastic syndrome; Neoplastic Syndromes, Hereditary; Hereditary Cancer Syndrome. Identifiers: Orphanet 140162, MedGen C0027672, MeSH D009386, MONDO:0015356.

Submission:

Ambry Genetics
Classification: Uncertain significance for Hereditary cancer-predisposing syndrome. Last evaluated: 2025-04-01. Review status: criteria provided, single submitter. Criteria: Ambry Variant Classification Scheme 2023. Collection method: clinical testing. Allele origin: germline.
Comment: The c.4358-385T>G intronic variant results from a T to G substitution 385 nucleotides upstream from coding exon 12 in the BRCA1 gene. This nucleotide position is well conserved in available vertebrate species. In silico splice site analysis predicts that this alteration may result in the creation or strengthening of a novel splice donor site; however, direct evidence is insufficient at this time (Ambry internal data). Based on the available evidence, the clinical significance of this variant remains unclear.